The following is an entry in ClinVar:

ClinVar aggregate classification (germline): Uncertain significance. Review status: criteria provided, multiple submitters, no conflicts (2 of 4 stars). 2 submissions from 2 submitters: Uncertain significance (2). Last evaluated 2025-01-06.

Allele frequency attached by ClinVar (database versions not stated): gnomAD 0.00004 and 0.00005; ExAC 0.00005; TOPMed 0.00006.
gnomAD v4.1: 27 of 1,305,234 alleles (0.0021%); highest among the groups gnomAD compares: Middle Eastern, 0.021%; no homozygotes.

Submissions (2):

Labcorp Genetics (formerly Invitae), Labcorp
Classification: Uncertain significance. Last evaluated: 2025-01-06. Review status: criteria provided, single submitter. Criteria: Invitae Variant Classification Sherloc (09022015). Collection method: clinical testing. Allele origin: germline.
Comment: This sequence change replaces valine, which is neutral and non-polar, with isoleucine, which is neutral and non-polar, at codon 1061 of the ERCC6L2 protein (p.Val1061Ile). This variant is present in population databases (rs766512823, gnomAD 0.009%). This variant has not been reported in the literature in individuals affected with ERCC6L2-related conditions. ClinVar contains an entry for this variant (Variation ID: 1462328). Experimental studies and prediction algorithms are not available or were not evaluated, and the functional significance of this variant is currently unknown. In summary, the available evidence is currently insufficient to determine the role of this variant in disease. Therefore, it has been classified as a Variant of Uncertain Significance.

Blueprint Genetics
Classification: Uncertain significance. Last evaluated: 2023-08-01. Review status: criteria provided, single submitter. Criteria: ACMG Guidelines, 2015. Collection method: clinical testing. Allele origin: germline.

NM_020207.7(ERCC6L2):c.3148G>A (p.Val1050Ile)

Gene: ERCC6L2 (ERCC excision repair 6 like 2; plus strand). Cytogenetic location: 9q22.32.
Variant type: single nucleotide variant.
Coding change: c.3148G>A on transcript NM_020207.7 (MANE Select); coding-DNA position 3148, G replaced by A.
Protein change: p.Val1050Ile; replaces valine 1050 with isoleucine.
Molecular consequence: missense variant. On other transcripts: non-coding transcript variant (1).
Genome position (GRCh38, 1-based): chr9:95,972,899, G>A. VCF-style: chr9-95972899-G-A. GRCh37 (hg19) VCF-style: chr9-98735181-G-A.
Other names: c.3148G>A, p.Val1050Ile (NM_001375291.1, NM_001375292.1, NM_001375293.1 and 1 more transcripts); short protein forms V1050I.
Identifiers: ClinVar variation 1462328 (VCV001462328.8), dbSNP rs766512823, ClinGen allele CA5139857.